The following is an entry in ClinVar:

ClinVar aggregate classification (germline): Pathogenic (1 of 4 stars; one submission).

Conditions:
Bailey-Bloch congenital myopathy (CMYO13). Also called: Native American myopathy; STAC3 disorder; Congenital myopathy 13. Identifiers: Orphanet 168572, MedGen C1850625, MONDO:0009722, OMIM 255995.

Submission:

Women's Health and Genetics/Laboratory Corporation of America, LabCorp
Classification: Pathogenic for Bailey-Bloch congenital myopathy. Last evaluated: 2026-06-10. Review status: criteria provided, single submitter. Criteria: LabCorp Variant Classification Summary - May 2015. Collection method: clinical testing. Allele origin: germline.
Comment: Variant summary: STAC3 c.112A>T (p.Lys38X) results in a premature termination codon, predicted to cause a truncation of the encoded protein or absence of the protein due to nonsense mediated decay, which are commonly known mechanisms for disease. The variant was absent in 247824 control chromosomes (gnomAD). To our knowledge, no occurrence of c.112A>T in individuals affected with STAC3-related conditions and no experimental evidence demonstrating its impact on protein function have been reported. No submitters have cited clinical-significance assessments for this variant to ClinVar. Based on the evidence outlined above, the variant was classified as pathogenic.

NM_145064.3(STAC3):c.112A>T (p.Lys38Ter)

Gene: STAC3 (SH3 and cysteine rich domain 3; minus strand). Cytogenetic location: 12q13.3.
Variant type: single nucleotide variant.
Coding change: c.112A>T on transcript NM_145064.3 (MANE Select); coding-DNA position 112, A replaced by T.
Protein change: p.Lys38Ter; replaces lysine 38 with a stop codon.
Molecular consequence: nonsense. On other transcripts: 5 prime UTR variant (1), intron variant (1).
Genome position (GRCh38, 1-based): chr12:57,249,263, T>A on the plus strand (A>T on the coding strand, the complement: STAC3 is on the minus strand). VCF-style: chr12-57249263-T-A. GRCh37 (hg19) VCF-style: chr12-57643046-T-A.
Other names: c.-6A>T (NM_001286256.2); c.-126-1065A>T (NM_001286257.2); short protein forms K38*.
Identifiers: ClinVar variation 4887382 (VCV004887382.1).